The following is an entry in ClinVar:

NM_007294.4(BRCA1):c.1769_1771del (p.Ser590del)

Gene: BRCA1 (BRCA1 DNA repair associated; minus strand). Cytogenetic location: 17q21.31.
Variant type: Deletion.
Coding change: c.1769_1771del on transcript NM_007294.4 (MANE Select); coding-DNA positions 1769 to 1771, 3 bases deleted (GTA; older notation c.1769_1771delGTA).
Protein change: p.Ser590del; deletes serine 590.
Molecular consequence: inframe deletion. On other transcripts: inframe indel (2), intron variant (137).
Genome position (GRCh38, 1-based): chr17:43,093,760-43,093,762, TAC deleted on the plus strand (GTA on the coding strand, the reverse complement: BRCA1 is on the minus strand); deleting any 3 consecutive bases within chr17:43,093,760-43,093,763 gives the same sequence; the c. name uses the placement nearest the transcript's 3' end. VCF-style (leftmost placement, unchanged base first): chr17-43093759-ATAC-A. GRCh37 (hg19) VCF-style: chr17-41245776-ATAC-A.
Other names: c.1646_1648del, p.Ser549del (NM_001407680.1, NM_001407681.1, NM_001407682.1 and 19 more transcripts); c.1769_1771del, p.Ser590del (NM_001407684.1, NM_001407854.1, NM_001407858.1 and 30 more transcripts); c.1643_1645del, p.Ser548del (NM_001407685.1, NM_001407686.1, NM_001407687.1 and 11 more transcripts); c.1628_1630del, p.Ser543del (NM_001407692.1, NM_001407694.1, NM_001407695.1 and 29 more transcripts); c.1625_1627del, p.Ser542del (NM_001407740.1, NM_001407741.1, NM_001407742.1 and 20 more transcripts); c.1556_1558del, p.Ser519del (NM_001407853.1, NM_001407894.1, NM_001407895.1 and 9 more transcripts); c.1766_1768del, p.Ser589del (NM_001407860.1, NM_001407861.1, NM_001407587.1 and 22 more transcripts); c.1568_1570del, p.Ser523del (NM_001407862.1); and 42 more; short protein forms S590del, S543del, S501del, S502del, S522del, S519del, S523del, S548del.
Identifiers: ClinVar variation 559980 (VCV000559980.16), dbSNP rs1555591267, ClinGen allele CA658824511.

ClinVar aggregate classification (germline): Uncertain significance. Review status: criteria provided, multiple submitters, no conflicts (2 of 4 stars). 4 submissions from 4 submitters: Uncertain significance (3). 1 of the submissions does not count toward it. Last evaluated 2024-01-11.

Conditions:
Malignant tumor of pancreas. Also called: Cancer of the pancreas; Pancreatic cancer; Malignant pancreatic neoplasm. Identifiers: MedGen C0346647, MONDO:0009831.
Hereditary cancer-predisposing syndrome. Also called: Hereditary neoplastic syndrome; Neoplastic Syndromes, Hereditary; Tumor predisposition; Hereditary Cancer Syndrome. Identifiers: Orphanet 140162, MedGen C0027672, MeSH D009386, MONDO:0015356.
Hereditary breast ovarian cancer syndrome. Also called: BRCA1- and BRCA2-Associated Hereditary Breast and Ovarian Cancer; Hereditary breast and ovarian cancer syndrome; Hereditary breast and ovarian cancer; Hereditary breast and ovarian cancer syndrome (HBOC); Hereditary breast and/or ovarian cancer syndrome; Breast and ovarian cancer. Identifiers: Orphanet 145, MedGen C0677776, MeSH D061325, MONDO:0003582. Disease mechanism: loss of function.

Submissions (4):

Labcorp Genetics (formerly Invitae), Labcorp
Classification: Uncertain significance for Hereditary breast ovarian cancer syndrome. Last evaluated: 2024-01-11. Review status: criteria provided, single submitter. Criteria: Invitae Variant Classification Sherloc (09022015). Collection method: clinical testing. Allele origin: germline.
Comment: This variant, c.1769_1771del, results in the deletion of 1 amino acid(s) of the BRCA1 protein (p.Ser590del), but otherwise preserves the integrity of the reading frame. This variant is not present in population databases (gnomAD no frequency). This variant has not been reported in the literature in individuals affected with BRCA1-related conditions. ClinVar contains an entry for this variant (Variation ID: 559980). Experimental studies and prediction algorithms are not available or were not evaluated, and the functional significance of this variant is currently unknown. In summary, the available evidence is currently insufficient to determine the role of this variant in disease. Therefore, it has been classified as a Variant of Uncertain Significance.

Ambry Genetics
Classification: Uncertain significance for Hereditary cancer-predisposing syndrome. Last evaluated: 2021-10-06. Review status: criteria provided, single submitter. Criteria: Ambry Variant Classification Scheme 2023. Collection method: clinical testing. Allele origin: germline.
Comment: The c.1769_1771delGTA variant (also known as p.S590del) is located in coding exon 9 of the BRCA1 gene. This variant results from an in-frame GTA deletion at nucleotide positions 1769 to 1771. This results in the in-frame deletion of a serine at codon 590. This amino acid position is well conserved in available vertebrate species. In addition, this alteration is predicted to be deleterious by in silico analysis (Choi Y et al. PLoS ONE. 2012; 7(10):e46688). Since supporting evidence is limited at this time, the clinical significance of this alteration remains unclear.

Color Diagnostics, LLC DBA Color Health
Classification: Uncertain significance for Hereditary cancer-predisposing syndrome. Last evaluated: 2019-04-04. Review status: criteria provided, single submitter. Criteria: ACMG Guidelines, 2015. Collection method: clinical testing. Allele origin: germline.

3DMed Clinical Laboratory Inc
Classification: Uncertain significance for Cancer of the pancreas. Last evaluated: 2017-08-29. Review status: no assertion criteria provided. Criteria: ACMG Guidelines, 2015. Collection method: clinical testing. Allele origin: germline. Affected: yes. Not counted in ClinVar's aggregate classification.